The following is an entry in ClinVar:

NM_013275.6(ANKRD11):c.4494C>G (p.Asp1498Glu)

Gene: ANKRD11 (ankyrin repeat domain 11; minus strand). Cytogenetic location: 16q24.3.
Variant type: single nucleotide variant.
Coding change: c.4494C>G on transcript NM_013275.6 (MANE Select); coding-DNA position 4494, C replaced by G.
Protein change: p.Asp1498Glu; replaces aspartic acid 1498 with glutamic acid.
Molecular consequence: missense variant.
Genome position (GRCh38, 1-based): chr16:89,282,048, G>C on the plus strand (C>G on the coding strand, the complement: ANKRD11 is on the minus strand). VCF-style: chr16-89282048-G-C. GRCh37 (hg19) VCF-style: chr16-89348456-G-C.
Other names: c.4494C>G, p.Asp1498Glu (NM_001256182.2, NM_001256183.2); short protein forms D1498E.
Identifiers: ClinVar variation 3011665 (VCV003011665.3), dbSNP rs200238084, ClinGen allele CA397157455.

ClinVar aggregate classification (germline): Uncertain significance (1 of 4 stars; one submission).

Conditions:
KBG syndrome (KBGS). Also called: ANKRD11-Related KBG Syndrome. Identifiers: Orphanet 2332, MedGen C0220687, MONDO:0007846, OMIM 148050.

gnomAD v4.1: 4 of 1,611,914 alleles (0.00025%); highest among the groups gnomAD compares: Admixed American, 0.0017%; no homozygotes.

Submission:

Labcorp Genetics (formerly Invitae), Labcorp
Classification: Uncertain significance for KBG syndrome. Last evaluated: 2024-02-20. Review status: criteria provided, single submitter. Criteria: Invitae Variant Classification Sherloc (09022015). Collection method: clinical testing. Allele origin: germline.
Comment: This sequence change replaces aspartic acid, which is acidic and polar, with glutamic acid, which is acidic and polar, at codon 1498 of the ANKRD11 protein (p.Asp1498Glu). This variant is present in population databases (no rsID available, gnomAD 0.003%). This variant has not been reported in the literature in individuals affected with ANKRD11-related conditions. Advanced modeling of protein sequence and biophysical properties (such as structural, functional, and spatial information, amino acid conservation, physicochemical variation, residue mobility, and thermodynamic stability) performed at Invitae indicates that this missense variant is not expected to disrupt ANKRD11 protein function with a negative predictive value of 95%. In summary, the available evidence is currently insufficient to determine the role of this variant in disease. Therefore, it has been classified as a Variant of Uncertain Significance.